The following is an entry in ClinVar:

ClinVar aggregate classification (germline): Uncertain significance (1 of 4 stars; one submission).

Submission:

GeneDx
Classification: Uncertain significance. Last evaluated: 2025-06-13. Review status: criteria provided, single submitter. Criteria: GeneDx Variant Classification Process June 2021. Collection method: clinical testing. Allele origin: germline. Affected: yes.
Comment: Not observed at significant frequency in large population cohorts (gnomAD); In silico analysis suggests that this missense variant does not alter protein structure/function; Has not been previously published as pathogenic or benign to our knowledge

NM_001281740.3(FHOD3):c.1774T>C (p.Ser592Pro)

Gene: FHOD3 (formin homology 2 domain containing 3; plus strand). Cytogenetic location: 18q12.2.
Variant type: single nucleotide variant.
Coding change: c.1774T>C on transcript NM_001281740.3 (MANE Select); coding-DNA position 1774, T replaced by C.
Protein change: p.Ser592Pro; replaces serine 592 with proline.
Molecular consequence: missense variant.
Genome position (GRCh38, 1-based): chr18:36,658,127, T>C. VCF-style: chr18-36658127-T-C. GRCh37 (hg19) VCF-style: chr18-34238090-T-C.
Other names: c.1249T>C, p.Ser417Pro (NM_001281739.3, NM_025135.5); short protein forms S417P, S592P.
Identifiers: ClinVar variation 4537714 (VCV004537714.1).